The following is an entry in ClinVar:

ClinVar aggregate classification (germline): Benign (1 of 4 stars; one submission).

Allele frequency attached by ClinVar (database versions not stated): 1000 Genomes Project 30x 0.00297; 1000 Genomes Project 0.00319; TOPMed 0.00473; gnomAD 0.00564; ESP Exome Variant Server 0.00593; ExAC 0.00637; gnomAD exomes 0.00811.
gnomAD v4.1: 12,593 of 1,613,944 alleles (0.78%); highest among the groups gnomAD compares: Non-Finnish European, 0.92%; 59 homozygotes.

Submission:

CeGaT Center for Human Genetics Tuebingen
Classification: Benign. Last evaluated: 2022-03-01. Review status: criteria provided, single submitter. Criteria: CeGaT Center For Human Genetics Tuebingen Variant Classification Criteria Version 2. Collection method: clinical testing. Allele origin: germline. Affected: yes. Observed: 1 variant allele.
Comment: TENM2: BS1, BS2

NM_001395460.1(TENM2):c.7588A>G (p.Thr2530Ala)

Gene: TENM2 (teneurin transmembrane protein 2; plus strand). Cytogenetic location: 5q34.
Variant type: single nucleotide variant.
Coding change: c.7588A>G on transcript NM_001395460.1 (MANE Select); coding-DNA position 7588, A replaced by G.
Protein change: p.Thr2530Ala; replaces threonine 2530 with alanine.
Molecular consequence: missense variant.
Genome position (GRCh38, 1-based): chr5:168,262,073, A>G. VCF-style: chr5-168262073-A-G. GRCh37 (hg19) VCF-style: chr5-167689078-A-G.
Other names: c.6871A>G, p.Thr2291Ala (NM_001080428.3); c.7561A>G, p.Thr2521Ala (NM_001122679.2); c.7111A>G, p.Thr2371Ala (NM_001368145.1); c.7105A>G, p.Thr2369Ala (NM_001368146.1); short protein forms T2291A, T2369A, T2371A, T2521A, T2530A.
Identifiers: ClinVar variation 2656031 (VCV002656031.24), dbSNP rs148040985, ClinGen allele CA3548184.